The following is an entry in ClinVar:

ClinVar aggregate classification (germline): Likely benign (0 of 4 stars; one submission).

Conditions:
CSTA-related disorder. Also called: CSTA-related condition.

Allele frequency attached by ClinVar (database versions not stated): gnomAD 0.00001; gnomAD exomes 0.00001; TOPMed 0.00001.
gnomAD v4.1: 13 of 1,613,940 alleles (0.00081%); highest among the groups gnomAD compares: East Asian, 0.0022%; no homozygotes.

Submission:

PreventionGenetics, part of Exact Sciences
Classification: Likely benign for CSTA-related condition. Last evaluated: 2019-03-25. Review status: no assertion criteria provided. Collection method: clinical testing. Allele origin: germline.
Comment: This variant is classified as likely benign based on ACMG/AMP sequence variant interpretation guidelines (Richards et al. 2015 PMID: 25741868, with internal and published modifications).

NM_005213.4(CSTA):c.*10C>T

Gene: CSTA (cystatin A; plus strand). Cytogenetic location: 3q21.1.
Variant type: single nucleotide variant.
Coding change: c.*10C>T on transcript NM_005213.4 (MANE Select); 10 bases downstream of the stop codon, C replaced by T.
Molecular consequence: 3 prime UTR variant.
Genome position (GRCh38, 1-based): chr3:122,341,577, C>T. VCF-style: chr3-122341577-C-T. GRCh37 (hg19) VCF-style: chr3-122060424-C-T.
Identifiers: ClinVar variation 3058105 (VCV003058105.2), dbSNP rs1382133964, ClinGen allele CA545647185.